The following is an entry in ClinVar:

ClinVar aggregate classification (germline): Uncertain significance. Review status: criteria provided, multiple submitters, no conflicts (2 of 4 stars). 3 submissions from 3 submitters: Uncertain significance (3). Last evaluated 2025-04-30.

Conditions:
Familial melanoma. Also called: Hereditary melanoma; Hereditary cutaneous melanoma. Identifiers: Orphanet 618, MedGen C1512419, MONDO:0018961.
Melanoma and neural system tumor syndrome. Also called: MELANOMA-ASTROCYTOMA SYNDROME. Identifiers: Orphanet 252206, MedGen C1835042, MONDO:0007967, OMIM 155755.
Hereditary cancer-predisposing syndrome. Also called: Neoplastic Syndromes, Hereditary; Hereditary Cancer Syndrome; Tumor predisposition; Hereditary neoplastic syndrome. Identifiers: Orphanet 140162, MedGen C0027672, MeSH D009386, MONDO:0015356.

Submissions (3):

Labcorp Genetics (formerly Invitae), Labcorp
Classification: Uncertain significance for Familial melanoma. Last evaluated: 2025-04-30. Review status: criteria provided, single submitter. Criteria: Invitae Variant Classification Sherloc (09022015). Collection method: clinical testing. Allele origin: germline.
Comment: This sequence change replaces valine, which is neutral and non-polar, with leucine, which is neutral and non-polar, at codon 28 of the CDKN2A (p16INK4a) protein (p.Val28Leu). This variant is not present in population databases (gnomAD no frequency). This variant has not been reported in the literature in individuals affected with CDKN2A (p16INK4a)-related conditions. ClinVar contains an entry for this variant (Variation ID: 231005). An algorithm developed to predict the effect of missense changes on protein structure and function (PolyPhen-2) suggests that this variant is likely to be disruptive. In summary, the available evidence is currently insufficient to determine the role of this variant in disease. Therefore, it has been classified as a Variant of Uncertain Significance.

Ambry Genetics
Classification: Uncertain significance for Hereditary cancer-predisposing syndrome. Last evaluated: 2024-04-11. Review status: criteria provided, single submitter. Criteria: Ambry Variant Classification Scheme 2023. Collection method: clinical testing. Allele origin: germline.
Comment: The p.V28L variant (also known as c.82G>T), located in coding exon 1 of the CDKN2A gene, results from a G to T substitution at nucleotide position 82. The valine at codon 28 is replaced by leucine, an amino acid with highly similar properties. This amino acid position is highly conserved in available vertebrate species. In addition, the in silico prediction for this alteration is inconclusive. Based on the available evidence, the clinical significance of this variant remains unclear.

Baylor Genetics
Classification: Uncertain significance for Melanoma and neural system tumor syndrome. Last evaluated: 2024-02-19. Review status: criteria provided, single submitter. Criteria: ACMG Guidelines, 2015. Collection method: clinical testing. Allele origin: unknown.

NM_000077.5(CDKN2A):c.82G>T (p.Val28Leu)

Gene: CDKN2A (cyclin dependent kinase inhibitor 2A; minus strand). Cytogenetic location: 9p21.3.
Variant type: single nucleotide variant.
Coding change: c.82G>T on transcript NM_000077.5; coding-DNA position 82, G replaced by T.
Protein change: p.Val28Leu; replaces valine 28 with leucine.
Molecular consequence: missense variant (on NM_000077.6). On other transcripts: intron variant (2).
Genome position (GRCh38, 1-based): chr9:21,974,746, C>A on the plus strand (G>T on the coding strand, the complement: CDKN2A is on the minus strand). VCF-style: chr9-21974746-C-A. GRCh37 (hg19) VCF-style: chr9-21974745-C-A.
Other names: c.82G>T, p.Val28Leu (NM_000077.6, NM_001195132.2, NM_058197.5); c.-3-3538G>T (NM_001363763.2); c.194-3538G>T (NM_058195.4); short protein forms V28L.
Identifiers: ClinVar variation 231005 (VCV000231005.9), dbSNP rs876658895, ClinGen allele CA10578851.